The following is an entry in ClinVar:

NM_181458.4(PAX3):c.1208C>T (p.Pro403Leu)

Gene: PAX3 (paired box 3; minus strand). Cytogenetic location: 2q36.1.
Variant type: single nucleotide variant.
Coding change: c.1208C>T on transcript NM_181458.4 (MANE Select); coding-DNA position 1208, C replaced by T.
Protein change: p.Pro403Leu; replaces proline 403 with leucine.
Molecular consequence: missense variant. On other transcripts: intron variant (2).
Genome position (GRCh38, 1-based): chr2:222,202,156, G>A on the plus strand (C>T on the coding strand, the complement: PAX3 is on the minus strand). VCF-style: chr2-222202156-G-A. GRCh37 (hg19) VCF-style: chr2-223066875-G-A.
Other names: c.1205C>T, p.Pro402Leu (NM_001127366.3); c.1208C>T, p.Pro403Leu (NM_181457.4, NM_181459.4); c.1174-714C>T (NM_181460.4, NM_181461.4); short protein forms P402L, P403L.
Identifiers: ClinVar variation 2896438 (VCV002896438.3), dbSNP rs1231011619, ClinGen allele CA351115863.

ClinVar aggregate classification (germline): Uncertain significance (1 of 4 stars; one submission).

Allele frequency attached by ClinVar (database versions not stated): gnomAD exomes below 0.00001; TOPMed below 0.00001.
gnomAD v4.1: 2 of 1,608,212 alleles (0.00012%); highest among the groups gnomAD compares: Non-Finnish European, 0.000085%; no homozygotes.

Submission:

Labcorp Genetics (formerly Invitae), Labcorp
Classification: Uncertain significance. Last evaluated: 2023-08-08. Review status: criteria provided, single submitter. Criteria: Invitae Variant Classification Sherloc (09022015). Collection method: clinical testing. Allele origin: germline.
Comment: This sequence change replaces proline, which is neutral and non-polar, with leucine, which is neutral and non-polar, at codon 403 of the PAX3 protein (p.Pro403Leu). This variant is present in population databases (no rsID available, gnomAD no frequency). This variant has not been reported in the literature in individuals affected with PAX3-related conditions. Advanced modeling of protein sequence and biophysical properties (such as structural, functional, and spatial information, amino acid conservation, physicochemical variation, residue mobility, and thermodynamic stability) performed at Invitae indicates that this missense variant is not expected to disrupt PAX3 protein function. In summary, the available evidence is currently insufficient to determine the role of this variant in disease. Therefore, it has been classified as a Variant of Uncertain Significance.